The following is an entry in ClinVar:

ClinVar aggregate classification (germline): Benign/Likely benign. Review status: criteria provided, multiple submitters, no conflicts (2 of 4 stars). 2 submissions from 2 submitters: Benign (1); Likely benign (1). Last evaluated 2025-10-13.

Allele frequency attached by ClinVar (database versions not stated): TOPMed 0.00022; ESP Exome Variant Server 0.00046; ExAC 0.00059; gnomAD exomes 0.00060; gnomAD 0.00066; 1000 Genomes Project 30x 0.00094; 1000 Genomes Project 0.00100.
gnomAD v4.1: 965 of 1,614,104 alleles (0.06%); highest among the groups gnomAD compares: Non-Finnish European, 0.054%; 1 homozygote.

Submissions (2):

Labcorp Genetics (formerly Invitae), Labcorp
Classification: Benign. Last evaluated: 2025-10-13. Review status: criteria provided, single submitter. Criteria: Invitae Variant Classification Sherloc (09022015). Collection method: clinical testing. Allele origin: germline.

CeGaT Center for Human Genetics Tuebingen
Classification: Likely benign. Last evaluated: 2022-10-01. Review status: criteria provided, single submitter. Criteria: CeGaT Center For Human Genetics Tuebingen Variant Classification Criteria Version 2. Collection method: clinical testing. Allele origin: germline. Affected: yes. Observed: 1 variant allele.
Comment: RNF213: BP4

NM_001256071.3(RNF213):c.917T>C (p.Phe306Ser)

Gene: RNF213 (ring finger protein 213; plus strand). Cytogenetic location: 17q25.3.
Variant type: single nucleotide variant.
Coding change: c.917T>C on transcript NM_001256071.3 (MANE Select); coding-DNA position 917, T replaced by C.
Protein change: p.Phe306Ser; replaces phenylalanine 306 with serine.
Molecular consequence: missense variant.
Genome position (GRCh38, 1-based): chr17:80,288,739, T>C. VCF-style: chr17-80288739-T-C. GRCh37 (hg19) VCF-style: chr17-78262538-T-C.
Other names: c.1064T>C, p.Phe355Ser (NM_001410195.1, NM_020914.5); c.917T>C, p.Phe306Ser (NM_020954.4); short protein forms F306S, F355S.
Identifiers: ClinVar variation 2648406 (VCV002648406.27), dbSNP rs145017985, ClinGen allele CA8819371.
Genomic context (GRCh38, chr17:80,288,739, plus strand): 5'-GGAAGGAAATGAAAGAGAAGACCCAGAGAATGAAACAGCCACCAGCAACCACTCCTCCTT[T>C]CAAAACACACTGCCAGGTGCGTCTCCTTCCTGCCTGCCGGCTCCAGGAGGCCCTCTCCTG-3'
Protein context (NP_001243000.2, residues 296-316): MKQPPATTPP[Phe306Ser]KTHCQEAETK